The following is an entry in ClinVar:

NM_031407.7(HUWE1):c.12826A>C (p.Ile4276Leu)

Gene: HUWE1 (HECT, UBA and WWE domain containing E3 ubiquitin protein ligase 1; minus strand). Cytogenetic location: Xp11.22.
Variant type: single nucleotide variant.
Coding change: c.12826A>C on transcript NM_031407.7 (MANE Select); coding-DNA position 12826, A replaced by C.
Protein change: p.Ile4276Leu; replaces isoleucine 4276 with leucine.
Molecular consequence: missense variant.
Genome position (GRCh38, 1-based): chrX:53,534,521, T>G on the plus strand (A>C on the coding strand, the complement: HUWE1 is on the minus strand). VCF-style: chrX-53534521-T-G. GRCh37 (hg19) VCF-style: chrX-53561482-T-G.
Other names: short protein forms I4276L.
Identifiers: ClinVar variation 429459 (VCV000429459.2), dbSNP rs1131691395, ClinGen allele CA413145791.

ClinVar aggregate classification (germline): Uncertain significance (1 of 4 stars; one submission).

Submission:

GeneDx
Classification: Uncertain significance. Last evaluated: 2017-03-23. Review status: criteria provided, single submitter. Criteria: GeneDx Variant Classification (06012015). Collection method: clinical testing. Allele origin: germline. Affected: yes.
Comment: The I4276L variant in the HUWE1 gene has not been reported previously as a pathogenic variant,nor as a benign variant, to our knowledge. The I4276L variant is not observed in large populationcohorts (Lek et al., 2016; 1000 Genomes Consortium et al., 2015; Exome Variant Server). TheI4276L variant is a conservative amino acid substitution, which is not likely to impact secondaryprotein structure as these residues share similar properties. This substitution occurs at a position that is conserved across species. In silico analysis isinconsistent in its predictions as to whether or not the variant is damaging to the proteinstructure/function. We interpret I4276L as a variant of uncertain significance.